The following is an entry in ClinVar:

NM_000528.4(MAN2B1):c.1667_1670del (p.Asp556fs)

Gene: MAN2B1 (mannosidase alpha class 2B member 1; minus strand). Cytogenetic location: 19p13.13.
Variant type: Deletion.
Coding change: c.1667_1670del on transcript NM_000528.4 (MANE Select); coding-DNA positions 1667 to 1670, 4 bases deleted (ACAG; older notation c.1667_1670delACAG).
Protein change: p.Asp556fs; shifts the reading frame from aspartic acid 556.
Molecular consequence: frameshift variant.
Genome position (GRCh38, 1-based): chr19:12,655,854-12,655,857, CTGT deleted on the plus strand (ACAG on the coding strand, the reverse complement: MAN2B1 is on the minus strand); deleting any 4 consecutive bases within chr19:12,655,854-12,655,860 gives the same sequence; the c. name uses the placement nearest the transcript's 3' end. VCF-style (leftmost placement, unchanged base first): chr19-12655853-GCTGT-G. GRCh37 (hg19) VCF-style: chr19-12766667-GCTGT-G.
Other names: c.1664_1667del, p.Asp555fs (NM_001173498.2); short protein forms D556fs, D555fs.
Identifiers: ClinVar variation 2704554 (VCV002704554.3), dbSNP rs2512497760, ClinGen allele CA2697556350.

ClinVar aggregate classification (germline): Pathogenic (1 of 4 stars; one submission).

Conditions:
Deficiency of alpha-mannosidase (MANSA). Also called: LYSOSOMAL ALPHA-D-MANNOSIDASE DEFICIENCY; Mannosidosis, alpha-, types I and II; Alpha-Mannosidosis. Identifiers: Orphanet 61, MedGen C0024748, MONDO:0009561, OMIM 248500.

Submission:

Labcorp Genetics (formerly Invitae), Labcorp
Classification: Pathogenic for Deficiency of alpha-mannosidase. Last evaluated: 2023-12-21. Review status: criteria provided, single submitter. Criteria: Invitae Variant Classification Sherloc (09022015). Collection method: clinical testing. Allele origin: germline.
Comment: This sequence change creates a premature translational stop signal (p.Asp556Alafs*24) in the MAN2B1 gene. It is expected to result in an absent or disrupted protein product. Loss-of-function variants in MAN2B1 are known to be pathogenic (PMID: 9915946, 22161967). This variant is not present in population databases (gnomAD no frequency). This variant has not been reported in the literature in individuals affected with MAN2B1-related conditions. For these reasons, this variant has been classified as Pathogenic.

Literature cited by the submitters: PubMed 9915946; PubMed 22161967.